The following is an entry in ClinVar:

ClinVar aggregate classification (germline): Uncertain significance (1 of 4 stars; one submission).

gnomAD v4.1: 1 of 1,592,788 alleles (0.000063%); highest among the groups gnomAD compares: South Asian, 0.0011%; no homozygotes.

Submission:

Labcorp Genetics (formerly Invitae), Labcorp
Classification: Uncertain significance. Last evaluated: 2023-03-24. Review status: criteria provided, single submitter. Criteria: Invitae Variant Classification Sherloc (09022015). Collection method: clinical testing. Allele origin: germline.
Comment: This sequence change replaces asparagine, which is neutral and polar, with lysine, which is basic and polar, at codon 71 of the SERPINB7 protein (p.Asn71Lys). This variant is not present in population databases (gnomAD no frequency). This variant has not been reported in the literature in individuals affected with SERPINB7-related conditions. An algorithm developed to predict the effect of missense changes on protein structure and function (PolyPhen-2) suggests that this variant is likely to be tolerated. In summary, the available evidence is currently insufficient to determine the role of this variant in disease. Therefore, it has been classified as a Variant of Uncertain Significance.

NM_003784.4(SERPINB7):c.213T>A (p.Asn71Lys)

Gene: SERPINB7 (serpin family B member 7; plus strand). Cytogenetic location: 18q21.33.
Variant type: single nucleotide variant.
Coding change: c.213T>A on transcript NM_003784.4 (MANE Select); coding-DNA position 213, T replaced by A.
Protein change: p.Asn71Lys; replaces asparagine 71 with lysine.
Molecular consequence: missense variant. On other transcripts: intron variant (1).
Genome position (GRCh38, 1-based): chr18:63,792,437, T>A. VCF-style: chr18-63792437-T-A. GRCh37 (hg19) VCF-style: chr18-61459671-T-A.
Other names: c.213T>A, p.Asn71Lys (NM_001040147.3, NM_001261830.2); c.169-724T>A (NM_001261831.2); short protein forms N71K.
Identifiers: ClinVar variation 2849140 (VCV002849140.3), dbSNP rs373796717, ClinGen allele CA402653787.